The following is an entry in ClinVar:

NM_000051.4(ATM):c.2544G>T (p.Glu848Asp)

Gene: ATM (ATM serine/threonine kinase; plus strand). Cytogenetic location: 11q22.3.
Variant type: single nucleotide variant.
Coding change: c.2544G>T on transcript NM_000051.4 (MANE Select); coding-DNA position 2544, G replaced by T.
Protein change: p.Glu848Asp; replaces glutamic acid 848 with aspartic acid.
Molecular consequence: missense variant.
Genome position (GRCh38, 1-based): chr11:108,267,248, G>T. VCF-style: chr11-108267248-G-T. GRCh37 (hg19) VCF-style: chr11-108137975-G-T.
Other names: c.2544G>T, p.Glu848Asp (NM_001351834.2); c.2544G>T (NM_000051.3); short protein forms E848D.
Identifiers: ClinVar variation 1023453 (VCV001023453.10), dbSNP rs1060501601, ClinGen allele CA382543668.
Genomic context (GRCh38, chr11:108,267,248, plus strand): 5'-GCCATTTGACCGTGGAGAAGTAGAATCAATGGAAGATGATACTAATGGAAATCTAATGGA[G>T]GTGGAGGATCAGTCATCCATGAATCTATTTAACGATTACCCTGATAGTAGTGTTAGTGAT-3'
Protein context (NP_000042.3, residues 838-858): MEDDTNGNLM[Glu848Asp]VEDQSSMNLF

ClinVar aggregate classification (germline): Uncertain significance. Review status: criteria provided, multiple submitters, no conflicts (2 of 4 stars). 2 submissions from 2 submitters: Uncertain significance (2). Last evaluated 2024-05-26.

Conditions:
Hereditary cancer-predisposing syndrome. Also called: Hereditary neoplastic syndrome; Neoplastic Syndromes, Hereditary; Tumor predisposition; Hereditary Cancer Syndrome. Identifiers: Orphanet 140162, MedGen C0027672, MeSH D009386, MONDO:0015356.
Ataxia-telangiectasia syndrome (AT). Also called: ATAXIA-TELANGIECTASIA, FRESNO VARIANT; Ataxia-telangiectasia, complementation group D; AT, COMPLEMENTATION GROUP C; Cerebello-oculocutaneous telangiectasia; Immunodeficiency with ataxia telangiectasia; Ataxia telangiectasia (A-T). Identifiers: Orphanet 100, MedGen C0004135, MONDO:0008840, OMIM 208900.

Submissions (2):

Ambry Genetics
Classification: Uncertain significance for Hereditary cancer-predisposing syndrome. Last evaluated: 2024-05-26. Review status: criteria provided, single submitter. Criteria: Ambry Variant Classification Scheme 2023. Collection method: clinical testing. Allele origin: germline.
Comment: The p.E848D variant (also known as c.2544G>T), located in coding exon 16 of the ATM gene, results from a G to T substitution at nucleotide position 2544. The glutamic acid at codon 848 is replaced by aspartic acid, an amino acid with highly similar properties. This amino acid position is conserved. In addition, this alteration is predicted to be tolerated by in silico analysis. Based on the available evidence, the clinical significance of this variant remains unclear.

Labcorp Genetics (formerly Invitae), Labcorp
Classification: Uncertain significance for Ataxia-telangiectasia syndrome. Last evaluated: 2024-04-16. Review status: criteria provided, single submitter. Criteria: Invitae Variant Classification Sherloc (09022015). Collection method: clinical testing. Allele origin: germline.
Comment: This sequence change replaces glutamic acid, which is acidic and polar, with aspartic acid, which is acidic and polar, at codon 848 of the ATM protein (p.Glu848Asp). This variant is not present in population databases (gnomAD no frequency). This variant has not been reported in the literature in individuals affected with ATM-related conditions. ClinVar contains an entry for this variant (Variation ID: 1023453). Algorithms developed to predict the effect of missense changes on protein structure and function output the following: SIFT: "Not Available"; PolyPhen-2: "Benign"; Align-GVGD: "Not Available". The aspartic acid amino acid residue is found in multiple mammalian species, which suggests that this missense change does not adversely affect protein function. In summary, the available evidence is currently insufficient to determine the role of this variant in disease. Therefore, it has been classified as a Variant of Uncertain Significance.